The following is an entry in ClinVar:

NM_004519.4(KCNQ3):c.49G>A (p.Asp17Asn)

Gene: KCNQ3 (potassium voltage-gated channel subfamily Q member 3; minus strand). Cytogenetic location: 8q24.22.
Variant type: single nucleotide variant.
Coding change: c.49G>A on transcript NM_004519.4 (MANE Select); coding-DNA position 49, G replaced by A.
Protein change: p.Asp17Asn; replaces aspartic acid 17 with asparagine.
Molecular consequence: missense variant.
Genome position (GRCh38, 1-based): chr8:132,480,484, C>T on the plus strand (G>A on the coding strand, the complement: KCNQ3 is on the minus strand). VCF-style: chr8-132480484-C-T. GRCh37 (hg19) VCF-style: chr8-133492731-C-T.
Other names: short protein forms D17N.
Identifiers: ClinVar variation 538548 (VCV000538548.8), dbSNP rs1355500787, ClinGen allele CA372292998.
Genomic context (GRCh38, chr8:132,480,484, plus strand): 5'-CGGCCGCCGCCGCGTCCCCTCCGGCTGGGTTAGCCGCCCCGCCGCCTCCGCCGCCCCCGT[C>T]GCCGCCGCCGCCAGCCGCCCCCGCCGCCCTGCGCGCCTTGAGCCCCATCTGCCTCGCCCC-3'
Protein context (NP_004510.1, residues 7-27): RAAGAAGGGG[Asp17Asn]GGGGGGGAAN

ClinVar aggregate classification (germline): Uncertain significance (1 of 4 stars; one submission).

Conditions:
Benign neonatal seizures. Also called: Benign neonatal familial convulsions; Benign familial neonatal epilepsy; Convulsions benign familial neonatal dominant form; Autosomal dominant form of benign neonatal seizures; Benign familial neonatal seizures. Identifiers: Orphanet 1949, MedGen C0220669, MONDO:0016027.

Allele frequency attached by ClinVar (database versions not stated): TOPMed 0.00002; gnomAD 0.00003 and 0.00004.
gnomAD v4.1: 25 of 1,201,290 alleles (0.0021%); highest among the groups gnomAD compares: African/African-American, 0.008%; no homozygotes.

Submission:

Labcorp Genetics (formerly Invitae), Labcorp
Classification: Uncertain significance for Benign neonatal seizures. Last evaluated: 2025-06-15. Review status: criteria provided, single submitter. Criteria: Invitae Variant Classification Sherloc (09022015). Collection method: clinical testing. Allele origin: germline.
Comment: This sequence change replaces aspartic acid, which is acidic and polar, with asparagine, which is neutral and polar, at codon 17 of the KCNQ3 protein (p.Asp17Asn). The frequency data for this variant in the population databases is considered unreliable, as metrics indicate poor data quality at this position in the gnomAD database. This variant has not been reported in the literature in individuals affected with KCNQ3-related conditions. ClinVar contains an entry for this variant (Variation ID: 538548). Invitae Evidence Modeling of protein sequence and biophysical properties (such as structural, functional, and spatial information, amino acid conservation, physicochemical variation, residue mobility, and thermodynamic stability) indicates that this missense variant is not expected to disrupt KCNQ3 protein function with a negative predictive value of 95%. In summary, the available evidence is currently insufficient to determine the role of this variant in disease. Therefore, it has been classified as a Variant of Uncertain Significance.